The following is an entry in ClinVar:

ClinVar aggregate classification (germline): Benign/Likely benign. Review status: criteria provided, multiple submitters, no conflicts (2 of 4 stars). 6 submissions from 6 submitters: Benign (3); Likely benign (2). 1 of the submissions does not count toward it. Last evaluated 2026-02-04.

Conditions:
CHRNG-related disorder. Also called: CHRNG-related condition; CHRNG-related disorders.
Lethal multiple pterygium syndrome (LMPS). Identifiers: Orphanet 33108, MedGen C1854678, MONDO:0009668, OMIM 253290.

Allele frequency attached by ClinVar (database versions not stated): 1000 Genomes Project 0.00280; 1000 Genomes Project 30x 0.00281; TOPMed 0.00517; gnomAD 0.00520 and 0.00541; ESP Exome Variant Server 0.00646; gnomAD exomes 0.00672 and 0.00843; ExAC 0.00678.
gnomAD v4.1: 13,082 of 1,614,182 alleles (0.81%); highest among the groups gnomAD compares: South Asian, 1.1%; 78 homozygotes.

Submissions (6):

Labcorp Genetics (formerly Invitae), Labcorp
Classification: Benign. Last evaluated: 2026-02-04. Review status: criteria provided, single submitter. Criteria: Invitae Variant Classification Sherloc (09022015). Collection method: clinical testing. Allele origin: germline.

CeGaT Center for Human Genetics Tuebingen
Classification: Benign. Last evaluated: 2025-10-01. Review status: criteria provided, single submitter. Criteria: CeGaT Center For Human Genetics Tuebingen Variant Classification Criteria Version 2. Collection method: clinical testing. Allele origin: germline. Affected: yes. Observed: 7 variant alleles.
Comment: CHRNG: BS1, BS2

GeneDx
Classification: Likely benign. Last evaluated: 2025-01-13. Review status: criteria provided, single submitter. Criteria: GeneDx Variant Classification Process June 2021. Collection method: clinical testing. Allele origin: germline. Affected: yes.
Comment: See Variant Classification Assertion Criteria.

Illumina Laboratory Services, Illumina
Classification: Benign for Lethal multiple pterygium syndrome. Last evaluated: 2018-01-13. Review status: criteria provided, single submitter. Criteria: ICSL Variant Classification Criteria 13 December 2019. Collection method: clinical testing. Allele origin: germline.
Comment: This variant was observed in the ICSL laboratory as part of a predisposition screen in an ostensibly healthy population. It had not been previously curated by ICSL or reported in the Human Gene Mutation Database (HGMD: prior to June 1st, 2018), and was therefore a candidate for classification through an automated scoring system. Utilizing variant allele frequency, disease prevalence and penetrance estimates, and inheritance mode, an automated score was calculated to assess if this variant is too frequent to cause the disease. Based on the score and internal cut-off values, a variant classified as benign is not then subjected to further curation. The score for this variant resulted in a classification of benign for this disease.

Center for Pediatric Genomic Medicine, Children's Mercy Hospital and Clinics
Classification: Likely benign. Last evaluated: 2015-12-23. Review status: criteria provided, single submitter. Criteria: ACMG Guidelines, 2015. Collection method: clinical testing. Allele origin: germline.
ClinVar note: Converted during submission from Likely Benign to Likely benign.

PreventionGenetics, part of Exact Sciences
Classification: Benign for CHRNG-related condition. Last evaluated: 2021-08-25. Review status: no assertion criteria provided. Collection method: clinical testing. Allele origin: germline. Not counted in ClinVar's aggregate classification.
Comment: This variant is classified as benign based on ACMG/AMP sequence variant interpretation guidelines (Richards et al. 2015 PMID: 25741868, with internal and published modifications).

NM_005199.5(CHRNG):c.1516C>T (p.Pro506Ser)

Genes: CHRNG (cholinergic receptor nicotinic gamma subunit; plus strand), TIGD1 (tigger transposable element derived 1; minus strand). Cytogenetic location: 2q37.1.
Variant type: single nucleotide variant.
Coding change: c.1516C>T on transcript NM_005199.5 (MANE Select); coding-DNA position 1516, C replaced by T.
Protein change: p.Pro506Ser; replaces proline 506 with serine.
Molecular consequence: missense variant.
Genome position (GRCh38, 1-based): chr2:232,545,678, C>T. VCF-style: chr2-232545678-C-T. GRCh37 (hg19) VCF-style: chr2-233410388-C-T.
Other names: short protein forms P506S.
Identifiers: ClinVar variation 235605 (VCV000235605.51), dbSNP rs71421651, ClinGen allele CA2169080.